The following is an entry in ClinVar:

ClinVar aggregate classification (germline): Uncertain significance. Review status: criteria provided, multiple submitters, no conflicts (2 of 4 stars). 4 submissions from 4 submitters: Uncertain significance (4). Last evaluated 2026-03-12.

Conditions:
Congenital stationary night blindness 1C. Also called: Night blindness, congenital stationary (complete), 1C, autosomal recessive. Identifiers: Orphanet 215, MedGen C2750747, MONDO:0013183, OMIM 613216.
TRPM1-related disorder. Also called: TRPM1-related condition.

Allele frequency attached by ClinVar (database versions not stated): gnomAD exomes 0.00031 and 0.00025; ESP Exome Variant Server 0.00065; ExAC 0.00024; gnomAD 0.00027 and 0.00029; TOPMed 0.00029.
gnomAD v4.1: 483 of 1,614,086 alleles (0.03%); highest among the groups gnomAD compares: Non-Finnish European, 0.036%; no homozygotes.

Submissions (4):

PreventionGenetics, part of Exact Sciences
Classification: Uncertain significance for TRPM1-related condition. Last evaluated: 2026-03-12. Review status: criteria provided, single submitter. Criteria: ACMG Guidelines, 2015. Collection method: clinical testing. Allele origin: germline.
Comment: The TRPM1 c.3970G>A variant is predicted to result in the amino acid substitution p.Glu1324Lys. To our knowledge, this variant has not been reported in the literature. This variant is reported in 0.038% of alleles in individuals of European (Non-Finnish) descent in gnomAD. At this time, the clinical significance of this variant is uncertain due to the absence of conclusive functional and genetic evidence.

Blueprint Genetics
Classification: Uncertain significance. Last evaluated: 2024-11-25. Review status: criteria provided, single submitter. Criteria: ACMG Guidelines, 2015. Collection method: clinical testing. Allele origin: germline.

Labcorp Genetics (formerly Invitae), Labcorp
Classification: Uncertain significance. Last evaluated: 2023-12-11. Review status: criteria provided, single submitter. Criteria: Invitae Variant Classification Sherloc (09022015). Collection method: clinical testing. Allele origin: germline.
Comment: This sequence change replaces glutamic acid, which is acidic and polar, with lysine, which is basic and polar, at codon 1285 of the TRPM1 protein (p.Glu1285Lys). This variant is present in population databases (rs200906550, gnomAD 0.04%). This variant has not been reported in the literature in individuals affected with TRPM1-related conditions. ClinVar contains an entry for this variant (Variation ID: 315500). Advanced modeling of protein sequence and biophysical properties (such as structural, functional, and spatial information, amino acid conservation, physicochemical variation, residue mobility, and thermodynamic stability) has been performed at Invitae for this missense variant, however the output from this modeling did not meet the statistical confidence thresholds required to predict the impact of this variant on TRPM1 protein function. In summary, the available evidence is currently insufficient to determine the role of this variant in disease. Therefore, it has been classified as a Variant of Uncertain Significance.

Illumina Laboratory Services, Illumina
Classification: Uncertain significance for Congenital stationary night blindness 1C. Last evaluated: 2018-01-12. Review status: criteria provided, single submitter. Criteria: ICSL Variant Classification Criteria 13 December 2019. Collection method: clinical testing. Allele origin: germline.

NM_001252024.2(TRPM1):c.3919G>A (p.Glu1307Lys)

Gene: TRPM1 (transient receptor potential cation channel subfamily M member 1; minus strand). Cytogenetic location: 15q13.3.
Variant type: single nucleotide variant.
Coding change: c.3919G>A on transcript NM_001252024.2 (MANE Select); coding-DNA position 3919, G replaced by A.
Protein change: p.Glu1307Lys; replaces glutamic acid 1307 with lysine.
Molecular consequence: missense variant.
Genome position (GRCh38, 1-based): chr15:31,002,781, C>T on the plus strand (G>A on the coding strand, the complement: TRPM1 is on the minus strand). VCF-style: chr15-31002781-C-T. GRCh37 (hg19) VCF-style: chr15-31294984-C-T.
Other names: c.3970G>A, p.Glu1324Lys (NM_001252020.2); c.3853G>A, p.Glu1285Lys (NM_002420.6); c.3970G>A (NM_001252020.1); short protein forms E1285K, E1307K, E1324K.
Identifiers: ClinVar variation 315500 (VCV000315500.12), dbSNP rs200906550, ClinGen allele CA7451729.
Genomic context (GRCh38, chr15:31,002,781, plus strand): 5'-GGAAGGAACAGGTTTTTTTCCTGACTCCTGTCCCTGGTGACGTGGAGAGAGATGTATCCT[C>T]AAATAATAACTCTTCTCCGTTAAAATGATATCGATACAAGCTGTAGCCATCAGCGCTATT-3'
Protein context (NP_001238953.1, residues 1297-1317): YHFNGEELLF[Glu1307Lys]DTSLSTSPGT